The following is an entry in ClinVar:

ClinVar aggregate classification (germline): Uncertain significance. Review status: criteria provided, multiple submitters, no conflicts (2 of 4 stars). 2 submissions from 2 submitters: Uncertain significance (2). Last evaluated 2024-10-28.

Conditions:
Cardiovascular phenotype. Identifiers: MedGen CN230736.
Dilated cardiomyopathy 1W (CMD1W). Identifiers: Orphanet 154, MedGen C1969639, MONDO:0012667, OMIM 611407.

Allele frequency attached by ClinVar (database versions not stated): gnomAD exomes below 0.00001; ExAC 0.00001.

Submissions (2):

Labcorp Genetics (formerly Invitae), Labcorp
Classification: Uncertain significance for Dilated cardiomyopathy 1W. Last evaluated: 2024-10-28. Review status: criteria provided, single submitter. Criteria: Invitae Variant Classification Sherloc (09022015). Collection method: clinical testing. Allele origin: germline.
Comment: This sequence change replaces methionine, which is neutral and non-polar, with isoleucine, which is neutral and non-polar, at codon 195 of the VCL protein (p.Met195Ile). This variant is present in population databases (rs759141517, gnomAD 0.0009%). This variant has not been reported in the literature in individuals affected with VCL-related conditions. ClinVar contains an entry for this variant (Variation ID: 1750128). An algorithm developed to predict the effect of missense changes on protein structure and function (PolyPhen-2) suggests that this variant is likely to be disruptive. In summary, the available evidence is currently insufficient to determine the role of this variant in disease. Therefore, it has been classified as a Variant of Uncertain Significance.

Ambry Genetics
Classification: Uncertain significance for Cardiovascular phenotype. Last evaluated: 2024-02-04. Review status: criteria provided, single submitter. Criteria: Ambry Variant Classification Scheme 2023. Collection method: clinical testing. Allele origin: germline.
Comment: The p.M195I variant (also known as c.585G>A), located in coding exon 5 of the VCL gene, results from a G to A substitution at nucleotide position 585. The methionine at codon 195 is replaced by isoleucine, an amino acid with highly similar properties. This amino acid position is conserved. In addition, the in silico prediction for this alteration is inconclusive. Since supporting evidence is limited at this time, the clinical significance of this alteration remains unclear.

NM_014000.3(VCL):c.585G>A (p.Met195Ile)

Gene: VCL (vinculin; plus strand). Cytogenetic location: 10q22.2.
Variant type: single nucleotide variant.
Coding change: c.585G>A on transcript NM_014000.3 (MANE Select); coding-DNA position 585, G replaced by A.
Protein change: p.Met195Ile; replaces methionine 195 with isoleucine.
Molecular consequence: missense variant.
Genome position (GRCh38, 1-based): chr10:74,072,815, G>A. VCF-style: chr10-74072815-G-A. GRCh37 (hg19) VCF-style: chr10-75832573-G-A.
Other names: c.585G>A, p.Met195Ile (NM_003373.4); short protein forms M195I.
Identifiers: ClinVar variation 1750128 (VCV001750128.4), dbSNP rs759141517, ClinGen allele CA5562804.
Genomic context (GRCh38, chr10:74,072,815, plus strand): 5'-TGACGAGAGACAGCAGGAGCTCACTCACCAGGAGCACCGAGTGATGTTGGTGAACTCGAT[G>A]AACACCGTGAAAGAGTTGCTGCCAGTTCTCATTTCAGGTACTTCCTGCCTGTACTTTATT-3'
Protein context (NP_054706.1, residues 185-205): QEHRVMLVNS[Met195Ile]NTVKELLPVL